The following is an entry in ClinVar:

ClinVar aggregate classification (germline): Likely pathogenic (1 of 4 stars; one submission).

Conditions:
PSMD11-associated obesity and neurodevelopmental disorder.

Submission:

Institute of Human Genetics, University of Leipzig Medical Center
Classification: Likely pathogenic for PSMD11-associated obesity and neurodevelopmental disorder. Last evaluated: 2025-04-17. Review status: criteria provided, single submitter. Criteria: ACMG Guidelines, 2015. Collection method: clinical testing. Allele origin: de novo. Inheritance: Autosomal dominant inheritance. Affected: yes.
Comment: Criteria applied: PS2_MOD,PM2,PP2,PP3

Literature cited by the submitters: PubMed 38866022.

NM_002815.4(PSMD11):c.572C>T (p.Thr191Ile)

Gene: PSMD11 (proteasome 26S subunit, non-ATPase 11; plus strand). Cytogenetic location: 17q11.2.
Variant type: single nucleotide variant.
Coding change: c.572C>T on transcript NM_002815.4 (MANE Select); coding-DNA position 572, C replaced by T.
Protein change: p.Thr191Ile; replaces threonine 191 with isoleucine.
Molecular consequence: missense variant.
Genome position (GRCh38, 1-based): chr17:32,469,122, C>T. VCF-style: chr17-32469122-C-T. GRCh37 (hg19) VCF-style: chr17-30796140-C-T.
Other names: c.572C>T, p.Thr191Ile (NM_001270482.2); short protein forms T191I.
Identifiers: ClinVar variation 3901200 (VCV003901200.1).